The following is an entry in ClinVar:

NM_001319074.4(RAX2):c.209G>A (p.Arg70His)

Gene: RAX2 (retina and anterior neural fold homeobox 2; minus strand). Cytogenetic location: 19p13.3.
Variant type: single nucleotide variant.
Coding change: c.209G>A on transcript NM_001319074.4 (MANE Select); coding-DNA position 209, G replaced by A.
Protein change: p.Arg70His; replaces arginine 70 with histidine.
Molecular consequence: missense variant.
Genome position (GRCh38, 1-based): chr19:3,771,534, C>T on the plus strand (G>A on the coding strand, the complement: RAX2 is on the minus strand). VCF-style: chr19-3771534-C-T. GRCh37 (hg19) VCF-style: chr19-3771532-C-T.
Other names: c.209G>A, p.Arg70His (NM_032753.4); short protein forms R70H.
Identifiers: ClinVar variation 836937 (VCV000836937.10), dbSNP rs748896187, ClinGen allele CA9085087.

ClinVar aggregate classification (germline): Uncertain significance. Review status: criteria provided, multiple submitters, no conflicts (2 of 4 stars). 4 submissions from 4 submitters: Uncertain significance (4). Last evaluated 2026-08-19.

Conditions:
RAX2-related disorder. Also called: RAX2-related disorders; RAX2-related condition.

Allele frequency attached by ClinVar (database versions not stated): gnomAD 0.00005; gnomAD exomes 0.00005 and 0.00009; ExAC 0.00013; TOPMed 0.00018.
gnomAD v4.1: 75 of 1,596,854 alleles (0.0047%); highest among the groups gnomAD compares: Admixed American, 0.039%; no homozygotes.

Submissions (4):

PreventionGenetics, part of Exact Sciences
Classification: Uncertain significance for RAX2-related condition. Last evaluated: 2026-08-19. Review status: criteria provided, single submitter. Criteria: ACMG Guidelines, 2015. Collection method: clinical testing. Allele origin: germline.
Comment: The RAX2 c.209G>A variant is predicted to result in the amino acid substitution p.Arg70His. To our knowledge, this variant has not been reported in the literature. This variant is reported in 0.048% of alleles in individuals of Latino descent in gnomAD. At this time, the clinical significance of this variant is uncertain due to the absence of conclusive functional and genetic evidence.

Labcorp Genetics (formerly Invitae), Labcorp
Classification: Uncertain significance. Last evaluated: 2025-12-23. Review status: criteria provided, single submitter. Criteria: Invitae Variant Classification Sherloc (09022015). Collection method: clinical testing. Allele origin: germline.
Comment: This sequence change replaces arginine, which is basic and polar, with histidine, which is basic and polar, at codon 70 of the RAX2 protein (p.Arg70His). This variant is present in population databases (rs748896187, gnomAD 0.05%). This variant has not been reported in the literature in individuals affected with RAX2-related conditions. ClinVar contains an entry for this variant (Variation ID: 836937). An algorithm developed to predict the effect of missense changes on protein structure and function (PolyPhen-2) suggests that this variant is likely to be disruptive. In summary, the available evidence is currently insufficient to determine the role of this variant in disease. Therefore, it has been classified as a Variant of Uncertain Significance.

Ambry Genetics
Classification: Uncertain significance. Last evaluated: 2025-08-10. Review status: criteria provided, single submitter. Criteria: Ambry Variant Classification Scheme 2023. Collection method: clinical testing. Allele origin: germline.

Blueprint Genetics
Classification: Uncertain significance. Last evaluated: 2022-09-26. Review status: criteria provided, single submitter. Criteria: ACMG Guidelines, 2015. Collection method: clinical testing. Allele origin: germline.